The following is an entry in ClinVar:

NM_001318510.2(ACSL4):c.516+8T>G

Gene: ACSL4 (acyl-CoA synthetase long chain family member 4; minus strand). Cytogenetic location: Xq23.
Variant type: single nucleotide variant.
Coding change: c.516+8T>G on transcript NM_001318510.2 (MANE Select); 8 bases into the intron after coding-DNA position 516, T replaced by G.
Molecular consequence: intron variant.
Genome position (GRCh38, 1-based): chrX:109,681,258, A>C on the plus strand (T>G on the coding strand, the complement: ACSL4 is on the minus strand). VCF-style: chrX-109681258-A-C. GRCh37 (hg19) VCF-style: chrX-108924487-A-C.
Other names: c.516+8T>G (NM_004458.3); c.639+8T>G (NM_001318509.2, NM_022977.3).
Identifiers: ClinVar variation 982673 (VCV000982673.17), dbSNP rs756576461, ClinGen allele CA10491174.

ClinVar aggregate classification (germline): Likely benign. Review status: criteria provided, multiple submitters, no conflicts (2 of 4 stars). 3 submissions from 3 submitters: Likely benign (2). 1 of the submissions does not count toward it. Last evaluated 2025-06-01.

Conditions:
Intellectual developmental disorder, X-linked 63. Also called: MENTAL RETARDATION, X-LINKED 68; Intellectual disability, X-linked 63. Identifiers: Orphanet 777, MedGen C1845672, MONDO:0010313, OMIM 300387.
ACSL4-related disorder. Also called: ACSL4-related condition.

Allele frequency attached by ClinVar (database versions not stated): gnomAD 0.00019 and 0.00021; ExAC 0.00010; TOPMed 0.00017; gnomAD exomes 0.00011 and 0.00010.

Submissions (3):

CeGaT Center for Human Genetics Tuebingen
Classification: Likely benign. Last evaluated: 2025-06-01. Review status: criteria provided, single submitter. Criteria: CeGaT Center For Human Genetics Tuebingen Variant Classification Criteria Version 2. Collection method: clinical testing. Allele origin: germline. Affected: yes. Observed: 2 variant alleles.
Comment: ACSL4: BP4, BS2

Institute of Human Genetics, University of Leipzig Medical Center
Classification: Likely benign for Intellectual developmental disorder, X-linked 63. Last evaluated: 2019-01-01. Review status: criteria provided, single submitter. Criteria: ACMG Guidelines, 2015. Collection method: clinical testing. Allele origin: unknown. Affected: yes.

PreventionGenetics, part of Exact Sciences
Classification: Likely benign for ACSL4-related condition. Last evaluated: 2024-01-30. Review status: no assertion criteria provided. Collection method: clinical testing. Allele origin: germline. Not counted in ClinVar's aggregate classification.
Comment: This variant is classified as likely benign based on ACMG/AMP sequence variant interpretation guidelines (Richards et al. 2015 PMID: 25741868, with internal and published modifications).